The following is an entry in ClinVar:

NM_018474.6(KIZ):c.116del (p.Lys39fs)

Gene: KIZ (kizuna centrosomal protein; plus strand). Cytogenetic location: 20p11.23.
Variant type: Deletion.
Coding change: c.116del on transcript NM_018474.6 (MANE Select); coding-DNA position 116, one base deleted (A; older notation c.116delA).
Protein change: p.Lys39fs; shifts the reading frame from lysine 39.
Molecular consequence: frameshift variant. On other transcripts: 5 prime UTR variant (4), intron variant (1).
Genome position (GRCh38, 1-based): chr20:21,132,123, A deleted; the last of 4 consecutive A bases (chr20:21,132,120-21,132,123); deleting any one gives the same sequence. VCF-style (leftmost placement, unchanged base first): chr20-21132119-GA-G. GRCh37 (hg19) VCF-style: chr20-21112760-GA-G.
Other names: c.-31del (NM_001163022.3, NM_001163023.3, NM_001352435.2); c.116del, p.Lys39fs (NM_001352434.2); c.-271del (NM_001352436.2); c.168+5919del (NM_001276389.2); short protein forms K39fs.
Identifiers: ClinVar variation 1186265 (VCV001186265.6), dbSNP rs1486270427, ClinGen allele CA635080100.
Genomic context (GRCh38, chr20:21,132,119, plus strand): 5'-TTATCATGTAATTACTTATAAAATGTTTTTTATTATAGTGAAAAGAAGAGATTGGACCTG[GA>G]AAAGAAACTTTATGAATATAATCAGTCTGATACATGCAGGTAAGAGACGACAGTGGGAAC-3'

ClinVar aggregate classification (germline): Pathogenic/Likely pathogenic. Review status: criteria provided, multiple submitters, no conflicts (2 of 4 stars). 3 submissions from 3 submitters: Pathogenic (1); Likely pathogenic (2). Last evaluated 2025-09-10.

Conditions:
Neurodevelopmental disorder, mitochondrial, with abnormal movements and lactic acidosis, with or without seizures. Identifiers: Orphanet 572798, MedGen C4540192, MONDO:0060578, OMIM 617710.

Submissions (3):

Genomic Medicine Center of Excellence, King Faisal Specialist Hospital and Research Centre
Classification: Likely pathogenic for Neurodevelopmental disorder, mitochondrial, with abnormal movements and lactic acidosis, with or without seizures. Last evaluated: 2025-09-10. Review status: criteria provided, single submitter. Criteria: ACMG Guidelines, 2015. Collection method: clinical testing. Allele origin: germline.

Labcorp Genetics (formerly Invitae), Labcorp
Classification: Pathogenic. Last evaluated: 2023-12-01. Review status: criteria provided, single submitter. Criteria: Invitae Variant Classification Sherloc (09022015). Collection method: clinical testing. Allele origin: germline.
Comment: This sequence change creates a premature translational stop signal (p.Lys39Argfs*16) in the KIZ gene. It is expected to result in an absent or disrupted protein product. Loss-of-function variants in KIZ are known to be pathogenic (PMID: 24680887, 29057815). The frequency data for this variant in the population databases is considered unreliable, as metrics indicate poor data quality at this position in the gnomAD database. This variant has not been reported in the literature in individuals affected with KIZ-related conditions. ClinVar contains an entry for this variant (Variation ID: 1186265). For these reasons, this variant has been classified as Pathogenic.

GeneDx
Classification: Likely pathogenic. Last evaluated: 2020-07-30. Review status: criteria provided, single submitter. Criteria: GeneDx Variant Classification Process June 2021. Collection method: clinical testing. Allele origin: germline. Affected: yes.
Comment: Frameshift variant predicted to result in protein truncation or nonsense mediated decay in a gene for which loss-of-function is a known mechanism of disease; Not observed at a significant frequency in large population cohorts (Lek et al., 2016); Has not been previously published as pathogenic or benign to our knowledge

Literature cited by the submitters: PubMed 24680887 (cited by Labcorp Genetics (formerly Invitae), Labcorp); PubMed 29057815 (cited by Labcorp Genetics (formerly Invitae), Labcorp).